The following is an entry in ClinVar:

NM_172107.4(KCNQ2):c.943G>A (p.Gly315Arg)

Gene: KCNQ2 (potassium voltage-gated channel subfamily Q member 2; minus strand). Cytogenetic location: 20q13.33.
Variant type: single nucleotide variant.
Coding change: c.943G>A on transcript NM_172107.4 (MANE Select); coding-DNA position 943, G replaced by A.
Protein change: p.Gly315Arg; replaces glycine 315 with arginine.
Molecular consequence: missense variant.
Genome position (GRCh38, 1-based): chr20:63,438,705, C>T on the plus strand (G>A on the coding strand, the complement: KCNQ2 is on the minus strand). VCF-style: chr20-63438705-C-T. GRCh37 (hg19) VCF-style: chr20-62070058-C-T.
Other names: c.943G>A, p.Gly315Arg (NM_001382235.1, NM_004518.6, NM_172106.3 and 2 more transcripts); short protein forms G315R.
Identifiers: ClinVar variation 1962872 (VCV001962872.5), dbSNP rs864321709, ClinGen allele CA409652308.

ClinVar aggregate classification (germline): Pathogenic (1 of 4 stars; one submission).

Conditions:
Early-infantile DEE. Also called: Ohtahara syndrome; Early infantile epileptic encephalopathy with suppression bursts; Early infantile epileptic encephalopathy. Identifiers: Orphanet 1934, MedGen C0393706, MONDO:0800491.

Submission:

Labcorp Genetics (formerly Invitae), Labcorp
Classification: Pathogenic for Early-infantile DEE. Last evaluated: 2022-08-10. Review status: criteria provided, single submitter. Criteria: Invitae Variant Classification Sherloc (09022015). Collection method: clinical testing. Allele origin: germline.
Comment: For these reasons, this variant has been classified as Pathogenic. Algorithms developed to predict the effect of sequence changes on RNA splicing suggest that this variant may disrupt the consensus splice site. Advanced modeling of protein sequence and biophysical properties (such as structural, functional, and spatial information, amino acid conservation, physicochemical variation, residue mobility, and thermodynamic stability) performed at Invitae indicates that this missense variant is expected to disrupt KCNQ2 protein function. This missense change has been observed in individual(s) with developmental and epileptic encephalopathy (PMID: 27535030). In at least one individual the variant was observed to be de novo. This variant is not present in population databases (gnomAD no frequency). This sequence change replaces glycine, which is neutral and non-polar, with arginine, which is basic and polar, at codon 315 of the KCNQ2 protein (p.Gly315Arg).

Literature cited by the submitters: PubMed 27535030.